The following is an entry in ClinVar:

NM_024757.5(EHMT1):c.3242G>A (p.Arg1081His)

Gene: EHMT1 (euchromatic histone lysine methyltransferase 1; plus strand). Cytogenetic location: 9q34.3.
Variant type: single nucleotide variant.
Coding change: c.3242G>A on transcript NM_024757.5 (MANE Select); coding-DNA position 3242, G replaced by A.
Protein change: p.Arg1081His; replaces arginine 1081 with histidine.
Molecular consequence: missense variant.
Genome position (GRCh38, 1-based): chr9:137,814,492, G>A. VCF-style: chr9-137814492-G-A. GRCh37 (hg19) VCF-style: chr9-140708944-G-A.
Other names: c.3221G>A, p.Arg1074His (NM_001354263.2); short protein forms R1074H, R1081H.
Identifiers: ClinVar variation 851912 (VCV000851912.10), dbSNP rs1274172181, ClinGen allele CA375795018.

ClinVar aggregate classification (germline): Uncertain significance (1 of 4 stars; one submission).

Conditions:
Kleefstra syndrome 1 (KLEFS1). Identifiers: Orphanet 261494, MedGen C0795833, MONDO:0027407, OMIM 610253.

Allele frequency attached by ClinVar (database versions not stated): gnomAD exomes 0.00001.
gnomAD v4.1: 4 of 1,607,580 alleles (0.00025%); highest among the groups gnomAD compares: African/African-American, 0.0013%; no homozygotes.

Submission:

Labcorp Genetics (formerly Invitae), Labcorp
Classification: Uncertain significance for Kleefstra syndrome 1. Last evaluated: 2019-12-27. Review status: criteria provided, single submitter. Criteria: Invitae Variant Classification Sherloc (09022015). Collection method: clinical testing. Allele origin: germline.
Comment: In summary, the available evidence is currently insufficient to determine the role of this variant in disease. Therefore, it has been classified as a Variant of Uncertain Significance. Algorithms developed to predict the effect of missense changes on protein structure and function (SIFT, PolyPhen-2, Align-GVGD) all suggest that this variant is likely to be disruptive, but these predictions have not been confirmed by published functional studies and their clinical significance is uncertain. This variant has not been reported in the literature in individuals with EHMT1-related conditions. This variant is not present in population databases (ExAC no frequency). This sequence change replaces arginine with histidine at codon 1081 of the EHMT1 protein (p.Arg1081His). The arginine residue is highly conserved and there is a small physicochemical difference between arginine and histidine.